The following is an entry in ClinVar:

NM_014845.6(FIG4):c.2240C>T (p.Pro747Leu)

Gene: FIG4 (FIG4 phosphoinositide 5-phosphatase; plus strand). Cytogenetic location: 6q21.
Variant type: single nucleotide variant.
Coding change: c.2240C>T on transcript NM_014845.6 (MANE Select); coding-DNA position 2240, C replaced by T.
Protein change: p.Pro747Leu; replaces proline 747 with leucine.
Molecular consequence: missense variant.
Genome position (GRCh38, 1-based): chr6:109,791,435, C>T. VCF-style: chr6-109791435-C-T. GRCh37 (hg19) VCF-style: chr6-110112638-C-T.
Other names: short protein forms P747L.
Identifiers: ClinVar variation 1507063 (VCV001507063.8), dbSNP rs1266127215, ClinGen allele CA365216147.

ClinVar aggregate classification (germline): Uncertain significance (1 of 4 stars; one submission).

Conditions:
Charcot-Marie-Tooth disease type 4. Also called: Charcot-Marie-Tooth disease, type IV; Charcot-Marie-Tooth, Type 4. Identifiers: Orphanet 64749, MedGen C4082197, MONDO:0018995.

Allele frequency attached by ClinVar (database versions not stated): gnomAD exomes below 0.00001 and 0.00001; gnomAD 0.00001; TOPMed 0.00001.
gnomAD v4.1: 5 of 1,613,614 alleles (0.00031%); highest among the groups gnomAD compares: East Asian, 0.0022%; no homozygotes.

Submission:

Labcorp Genetics (formerly Invitae), Labcorp
Classification: Uncertain significance for Charcot-Marie-Tooth disease type 4. Last evaluated: 2022-11-22. Review status: criteria provided, single submitter. Criteria: Invitae Variant Classification Sherloc (09022015). Collection method: clinical testing. Allele origin: germline.
Comment: This sequence change replaces proline, which is neutral and non-polar, with leucine, which is neutral and non-polar, at codon 747 of the FIG4 protein (p.Pro747Leu). In summary, the available evidence is currently insufficient to determine the role of this variant in disease. Therefore, it has been classified as a Variant of Uncertain Significance. Algorithms developed to predict the effect of missense changes on protein structure and function are either unavailable or do not agree on the potential impact of this missense change (SIFT: "Tolerated"; PolyPhen-2: "Possibly Damaging"; Align-GVGD: "Class C0"). ClinVar contains an entry for this variant (Variation ID: 1507063). This variant has not been reported in the literature in individuals affected with FIG4-related conditions. This variant is present in population databases (no rsID available, gnomAD 0.006%).